The following is an entry in ClinVar:

ClinVar aggregate classification (germline): Uncertain significance (1 of 4 stars; one submission).

Conditions:
Epidermolysis bullosa simplex with nail dystrophy (EBS5D). Identifiers: MedGen C4225309, MONDO:0014661, OMIM 616487.
Epidermolysis bullosa simplex 5C, with pyloric atresia (EBS5C). Also called: PLEC-Related Epidermolysis Bullosa with Pyloric Atresia; Epidermolysis bullosa simplex with pyloric atresia; PLEC1-Related Epidermolysis Bullosa with Pyloric Atresia. Identifiers: Orphanet 158684, MedGen C2677349, MONDO:0012807, OMIM 612138.
Autosomal recessive limb-girdle muscular dystrophy type 2Q (LGMDR17). Also called: MUSCULAR DYSTROPHY, LIMB-GIRDLE, AUTOSOMAL RECESSIVE 17. Identifiers: Orphanet 254361, MedGen C3150989, MONDO:0013390, OMIM 613723.
Epidermolysis bullosa simplex, Ogna type (EBS5A). Also called: Pidermolysis bullosa simplex 5A, Ogna type; EPIDERMOLYSIS BULLOSA SIMPLEX 5A, OGNA TYPE. Identifiers: Orphanet 79401, MedGen C0432317, MONDO:0007555, OMIM 131950.
Epidermolysis bullosa simplex 5B, with muscular dystrophy (EBS5B). Also called: EPIDERMOLYSIS BULLOSA SIMPLEX AND LIMB-GIRDLE MUSCULAR DYSTROPHY; Epidermolysis bullosa simplex with muscular dystrophy. Identifiers: Orphanet 257, MedGen C2931072, MONDO:0009181, OMIM 226670.

gnomAD v4.1: 13 of 1,542,150 alleles (0.00084%); highest among the groups gnomAD compares: Non-Finnish European, 0.0011%; no homozygotes.

Submission:

Labcorp Genetics (formerly Invitae), Labcorp
Classification: Uncertain significance for Autosomal recessive limb-girdle muscular dystrophy type 2Q; Epidermolysis bullosa simplex, Ogna type; Epidermolysis bullosa simplex with nail dystrophy; Epidermolysis bullosa simplex 5C, with pyloric atresia; Epidermolysis bullosa simplex 5B, with muscular dystrophy. Last evaluated: 2024-10-30. Review status: criteria provided, single submitter. Criteria: Invitae Variant Classification Sherloc (09022015). Collection method: clinical testing. Allele origin: germline.
Comment: This sequence change replaces alanine, which is neutral and non-polar, with serine, which is neutral and polar, at codon 1650 of the PLEC protein (p.Ala1650Ser). This variant is present in population databases (no rsID available, gnomAD 0.002%). This variant has not been reported in the literature in individuals affected with PLEC-related conditions. ClinVar contains an entry for this variant (Variation ID: 2937847). Invitae Evidence Modeling of protein sequence and biophysical properties (such as structural, functional, and spatial information, amino acid conservation, physicochemical variation, residue mobility, and thermodynamic stability) indicates that this missense variant is not expected to disrupt PLEC protein function with a negative predictive value of 80%. In summary, the available evidence is currently insufficient to determine the role of this variant in disease. Therefore, it has been classified as a Variant of Uncertain Significance.

NM_201384.3(PLEC):c.4867G>T (p.Ala1623Ser)

Gene: PLEC (plectin; minus strand). Cytogenetic location: 8q24.3.
Variant type: single nucleotide variant.
Coding change: c.4867G>T on transcript NM_201384.3 (MANE Select); coding-DNA position 4867, G replaced by T.
Protein change: p.Ala1623Ser; replaces alanine 1623 with serine.
Molecular consequence: missense variant. On other transcripts: intron variant (1).
Genome position (GRCh38, 1-based): chr8:143,925,062, C>A on the plus strand (G>T on the coding strand, the complement: PLEC is on the minus strand). VCF-style: chr8-143925062-C-A. GRCh37 (hg19) VCF-style: chr8-144999230-C-A.
Other names: c.4948G>T, p.Ala1650Ser (NM_000445.5); c.4825G>T, p.Ala1609Ser (NM_201378.4); c.4801G>T, p.Ala1601Ser (NM_201379.3); c.5278G>T, p.Ala1760Ser (NM_201380.4); c.4771G>T, p.Ala1591Ser (NM_201381.3); c.4867G>T, p.Ala1623Ser (NM_201382.4); c.4879G>T, p.Ala1627Ser (NM_201383.3); c.4125+1722G>T (NM_001410941.1); short protein forms A1650S, A1609S, A1623S, A1601S, A1627S, A1760S, A1591S.
Identifiers: ClinVar variation 2937847 (VCV002937847.3), dbSNP rs1554700496, ClinGen allele CA372552141.